The following is an entry in ClinVar:

ClinVar aggregate classification (germline): Uncertain significance (1 of 4 stars; one submission).

Allele frequency attached by ClinVar (database versions not stated): TOPMed below 0.00001; gnomAD 0.00001.

Submission:

Labcorp Genetics (formerly Invitae), Labcorp
Classification: Uncertain significance. Last evaluated: 2022-08-29. Review status: criteria provided, single submitter. Criteria: Invitae Variant Classification Sherloc (09022015). Collection method: clinical testing. Allele origin: germline.
Comment: This sequence change affects codon 31 of the MAGEL2 mRNA. It is a 'silent' change, meaning that it does not change the encoded amino acid sequence of the MAGEL2 protein. This variant is not present in population databases (gnomAD no frequency). In summary, the available evidence is currently insufficient to determine the role of this variant in disease. Therefore, it has been classified as a Variant of Uncertain Significance. This variant has not been reported in the literature in individuals affected with MAGEL2-related conditions.

NM_019066.5(MAGEL2):c.93G>A (p.Arg31=)

Gene: MAGEL2 (MAGE family member L2; minus strand). Cytogenetic location: 15q11.2.
Variant type: single nucleotide variant.
Coding change: c.93G>A on transcript NM_019066.5 (MANE Select); coding-DNA position 93, G replaced by A.
Protein change: p.Arg31=; no amino-acid change (arginine 31 retained).
Molecular consequence: synonymous variant.
Genome position (GRCh38, 1-based): chr15:23,647,650, C>T on the plus strand (G>A on the coding strand, the complement: MAGEL2 is on the minus strand). VCF-style: chr15-23647650-C-T. GRCh37 (hg19) VCF-style: chr15-23892797-C-T.
Identifiers: ClinVar variation 2027765 (VCV002027765.4), dbSNP rs912499314, ClinGen allele CA267661889.